The following is an entry in ClinVar:

NC_000018.9:g.(?_59713069)_(60131307_?)dup

Genes: PIGN (phosphatidylinositol glycan anchor biosynthesis class N; minus strand), RELCH (RAB11 binding and LisH domain, coiled-coil and HEAT repeat containing; plus strand), TNFRSF11A (TNF receptor superfamily member 11a; plus strand), LOC130062627 (ATAC-STARR-seq lymphoblastoid silent region 9504; plus strand), LOC130062628 (ATAC-STARR-seq lymphoblastoid silent region 9505; plus strand) and 13 more. Cytogenetic location: 18q21.33.
Variant type: Duplication.
Identifiers: ClinVar variation 648516 (VCV000648516.1).

ClinVar aggregate classification (germline): Uncertain significance (1 of 4 stars; one submission).

Conditions:
Multiple congenital anomalies-hypotonia-seizures syndrome 1 (MCAHS1). Also called: GLYCOSYLPHOSPHATIDYLINOSITOL BIOSYNTHESIS DEFECT 3; PIGN-CDG; Congenital disorder of glycosylation due to PIGN deficiency. Identifiers: Orphanet 280633, MedGen C3279775, MONDO:0013563, OMIM 614080.

Submission:

Labcorp Genetics (formerly Invitae), Labcorp
Classification: Uncertain significance for Multiple congenital anomalies-hypotonia-seizures syndrome 1. Last evaluated: 2018-12-24. Review status: criteria provided, single submitter. Criteria: Invitae Variant Classification Sherloc (09022015). Collection method: clinical testing. Allele origin: germline.
Comment: This variant results in a copy number gain of the genomic region encompassing the full coding sequence of the PIGN gene. The boundaries of this event are unknown as they extend beyond the assayed region for this gene and therefore may encompass additional genes. As the precise location of this event is unknown, it may be in tandem or it may be located elsewhere in the genome. This variant has not been reported in the literature in individuals with PIGN-related conditions. In summary, the available evidence is currently insufficient to determine the role of this variant in disease. Therefore, it has been classified as a Variant of Uncertain Significance.